The following is an entry in ClinVar:

NM_000551.4(VHL):c.340+617C>G

Genes: VHL (von Hippel-Lindau tumor suppressor; plus strand), LOC107303340 (3p25 von Hippel-Lindau tumor suppressor, E3 ubiquitin protein ligase Alu-mediated recombination region; plus strand). Cytogenetic location: 3p25.3.
Variant type: single nucleotide variant.
Coding change: c.340+617C>G on transcript NM_000551.4 (MANE Select); 617 bases into the intron after coding-DNA position 340, C replaced by G.
Molecular consequence: intron variant. On other transcripts: missense variant (1).
Genome position (GRCh38, 1-based): chr3:10,142,804, C>G. VCF-style: chr3-10142804-C-G. GRCh37 (hg19) VCF-style: chr3-10184488-C-G.
Other names: c.382C>G, p.Leu128Val (NM_001354723.2); c.340+617C>G (NM_198156.3, NM_000551.3); short protein forms L128V.
Identifiers: ClinVar variation 827582 (VCV000827582.7), dbSNP rs1575923261, ClinGen allele CA915941841.
Genomic context (GRCh38, chr3:10,142,804, plus strand): 5'-TAACACCCCATCTGTTCAGTCCTCATGACTCCAGTGGGCCAGTTCTGCGTAGTCCCTGCC[C>G]TCGTGGAGAACACATTCCTCCTGGGGAGACTGACAGATGCAAAGACAGGAACAAGCCAGG-3'

ClinVar aggregate classification (germline): Uncertain significance. Review status: criteria provided, multiple submitters, no conflicts (2 of 4 stars). 2 submissions from 2 submitters: Uncertain significance (2). Last evaluated 2025-04-15.

Conditions:
Hereditary cancer-predisposing syndrome. Also called: Hereditary Cancer Syndrome; Tumor predisposition; Neoplastic Syndromes, Hereditary; Hereditary neoplastic syndrome. Identifiers: Orphanet 140162, MedGen C0027672, MeSH D009386, MONDO:0015356.
Chuvash polycythemia. Also called: POLYCYTHEMIA, VHL-DEPENDENT. Identifiers: Orphanet 238557, MedGen C1837915, MONDO:0009892, OMIM 263400.
Von Hippel-Lindau syndrome (VHLS). Also called: Von Hippel-Lindau; VHL syndrome; von Hippel–Lindau syndrome. Identifiers: Orphanet 892, MedGen C0019562, MONDO:0008667, OMIM 193300. Disease mechanism: loss of function.

Submissions (2):

Ambry Genetics
Classification: Uncertain significance for Hereditary cancer-predisposing syndrome. Last evaluated: 2025-04-15. Review status: criteria provided, single submitter. Criteria: Ambry Variant Classification Scheme 2023. Collection method: clinical testing. Allele origin: germline.
Comment: The c.340+617C>G intronic variant results from a C to G substitution 617 nucleotides after coding exon 1 in the VHL gene. This variant was identified in one or more individuals with features consistent with von Hippel-Lindau syndrome and segregated with disease in at least one family (Lenglet M et al. Blood, 2018 Aug;132:469-483; Buffet A et al. J Med Genet, 2020 Nov;57:752-759). This nucleotide position is well conserved in available vertebrate species. In silico splice site analysis predicts that this alteration will not have any significant effect on splicing. RNA studies have identified a cryptic exon insertion event associated with this variant; however, the clinical impact of this event is unknown at this time (Lenglet M et al. Blood, 2018 Aug;132:469-483; Ambry internal data). Based on the available evidence, the clinical significance of this variant remains unclear.

Labcorp Genetics (formerly Invitae), Labcorp
Classification: Uncertain significance for Von Hippel-Lindau syndrome; Chuvash polycythemia. Last evaluated: 2021-12-17. Review status: criteria provided, single submitter. Criteria: Invitae Variant Classification Sherloc (09022015). Collection method: clinical testing. Allele origin: germline.
Comment: This variant has been observed in individual(s) with clinical features of von-Hippel Lindau disease (PMID: 29891534, 31996412). It has also been observed to segregate with disease on the same chromosome with another VHL variant, c.340+648T>C, in related individuals. This sequence change falls in intron 1 of the VHL gene. It is not expected to change the encoded amino acid sequence of the VHL protein. However, this sequence change falls within a cryptic exon in the VHL gene, known as exon E1’, which is naturally expressed at low levels in several human tissues (PMID: 29891534). This variant is not present in population databases (gnomAD no frequency). Studies have shown that this variant alters VHL gene expression (PMID: 29891534). In summary, the available evidence is currently insufficient to determine the role of this variant in disease. Therefore, it has been classified as a Variant of Uncertain Significance.

Literature cited by the submitters: PubMed 29891534 (cited by Ambry Genetics and Labcorp Genetics (formerly Invitae), Labcorp); PubMed 31996412 (cited by Ambry Genetics and Labcorp Genetics (formerly Invitae), Labcorp).